The following is an entry in ClinVar:

NM_001384910.1(GUCA1A):c.562C>A (p.Gln188Lys)

Genes: GUCA1A (guanylate cyclase activator 1A; plus strand), GUCA1ANB-GUCA1A (GUCA1ANB-GUCA1A readthrough; plus strand). Cytogenetic location: 6p21.1.
Variant type: single nucleotide variant.
Coding change: c.562C>A on transcript NM_001384910.1 (MANE Select); coding-DNA position 562, C replaced by A.
Protein change: p.Gln188Lys; replaces glutamine 188 with lysine.
Molecular consequence: missense variant.
Genome position (GRCh38, 1-based): chr6:42,179,359, C>A. VCF-style: chr6-42179359-C-A. GRCh37 (hg19) VCF-style: chr6-42147097-C-A.
Other names: c.562C>A, p.Gln188Lys (NM_000409.5, NM_001319061.2, NM_001319062.2); short protein forms Q188K.
Identifiers: ClinVar variation 968875 (VCV000968875.9), dbSNP rs542533252, ClinGen allele CA3805444.
Genomic context (GRCh38, chr6:42,179,359, plus strand): 5'-GACACACTGACACGAAGCCTGGACCTTACCCGCATCGTGCGCAGGCTCCAGAATGGCGAG[C>A]AAGACGAGGAGGGGGCTGACGAGGCCGCTGAGGCAGCCGGCTGAGTGCACCGCCCGGCTG-3'
Protein context (NP_001371839.1, residues 178-198): RIVRRLQNGE[Gln188Lys]DEEGADEAAE

ClinVar aggregate classification (germline): Uncertain significance. Review status: criteria provided, multiple submitters, no conflicts (2 of 4 stars). 2 submissions from 2 submitters: Uncertain significance (2). Last evaluated 2022-07-26.

Allele frequency attached by ClinVar (database versions not stated): gnomAD exomes 0.00001 and 0.00002; ExAC 0.00002; TOPMed 0.00002; gnomAD 0.00003; 1000 Genomes Project 0.00020; 1000 Genomes Project 30x 0.00031.
gnomAD v4.1: 24 of 1,611,934 alleles (0.0015%); highest among the groups gnomAD compares: Non-Finnish European, 0.0019%; no homozygotes.

Submissions (2):

Labcorp Genetics (formerly Invitae), Labcorp
Classification: Uncertain significance. Last evaluated: 2022-07-26. Review status: criteria provided, single submitter. Criteria: Invitae Variant Classification Sherloc (09022015). Collection method: clinical testing. Allele origin: germline.
Comment: In summary, the available evidence is currently insufficient to determine the role of this variant in disease. Therefore, it has been classified as a Variant of Uncertain Significance. Experimental studies and prediction algorithms are not available or were not evaluated, and the functional significance of this variant is currently unknown. ClinVar contains an entry for this variant (Variation ID: 968875). This variant has not been reported in the literature in individuals affected with GUCA1A-related conditions. This variant is present in population databases (rs542533252, gnomAD 0.003%). This sequence change replaces glutamine, which is neutral and polar, with lysine, which is basic and polar, at codon 188 of the GUCA1A protein (p.Gln188Lys).

Blueprint Genetics
Classification: Uncertain significance. Last evaluated: 2021-09-27. Review status: criteria provided, single submitter. Criteria: ACMG Guidelines, 2015. Collection method: clinical testing. Allele origin: germline.